The following is an entry in ClinVar:

NM_001123068.3(PPIAL4G):c.34G>A (p.Val12Ile)

Gene: PPIAL4G (peptidylprolyl isomerase A like 4G; minus strand). Cytogenetic location: 1q21.2.
Variant type: single nucleotide variant.
Coding change: c.34G>A on transcript NM_001123068.3 (MANE Select); coding-DNA position 34, G replaced by A.
Protein change: p.Val12Ile; replaces valine 12 with isoleucine.
Molecular consequence: missense variant.
Genome position (GRCh38, 1-based): chr1:148,483,219, C>T on the plus strand (G>A on the coding strand, the complement: PPIAL4G is on the minus strand). VCF-style: chr1-148483219-C-T. GRCh37 (hg19) VCF-style: chr1-147955311-C-T.
Other names: short protein forms V12I.
Identifiers: ClinVar variation 2639128 (VCV002639128.24), dbSNP rs587649576, ClinGen allele CA1042183.

ClinVar aggregate classification (germline): Likely benign (1 of 4 stars; one submission).

Allele frequency attached by ClinVar (database versions not stated): gnomAD exomes 0.00004; gnomAD 0.00007; 1000 Genomes Project 30x 0.00016; ExAC 0.00090; 1000 Genomes Project 0.01318.
gnomAD v4.1: 67 of 1,613,786 alleles (0.0042%); highest among the groups gnomAD compares: East Asian, 0.062%; no homozygotes.

Submission:

CeGaT Center for Human Genetics Tuebingen
Classification: Likely benign. Last evaluated: 2023-04-01. Review status: criteria provided, single submitter. Criteria: CeGaT Center For Human Genetics Tuebingen Variant Classification Criteria Version 2. Collection method: clinical testing. Allele origin: germline. Affected: yes. Observed: 1 variant allele.
Comment: PPIAL4A: BS2; PPIAL4G: BS2